The following is an entry in ClinVar:

ClinVar aggregate classification (germline): Benign (1 of 4 stars; one submission).

Conditions:
Congenital bile acid synthesis defect 2 (CBAS2). Also called: CHOLESTASIS WITH DELTA(4)-3-OXOSTEROID 5-BETA-REDUCTASE DEFICIENCY. Identifiers: Orphanet 79303, MedGen C1856127, MONDO:0009339, OMIM 235555.

Allele frequency attached by ClinVar (database versions not stated): gnomAD 0.03841 and 0.04114; 1000 Genomes Project 0.04073; TOPMed 0.04223; 1000 Genomes Project 30x 0.04466.

Submission:

Illumina Laboratory Services, Illumina
Classification: Benign for Congenital bile acid synthesis defect 2. Last evaluated: 2018-01-13. Review status: criteria provided, single submitter. Criteria: ICSL Variant Classification Criteria 13 December 2019. Collection method: clinical testing. Allele origin: germline.
Comment: This variant was observed in the ICSL laboratory as part of a predisposition screen in an ostensibly healthy population. It had not been previously curated by ICSL or reported in the Human Gene Mutation Database (HGMD: prior to June 1st, 2018), and was therefore a candidate for classification through an automated scoring system. Utilizing variant allele frequency, disease prevalence and penetrance estimates, and inheritance mode, an automated score was calculated to assess if this variant is too frequent to cause the disease. Based on the score and internal cut-off values, a variant classified as benign is not then subjected to further curation. The score for this variant resulted in a classification of benign for this disease.

NM_005989.4(AKR1D1):c.*1265A>G

Gene: AKR1D1 (aldo-keto reductase family 1 member D1; plus strand). Cytogenetic location: 7q33.
Variant type: single nucleotide variant.
Coding change: c.*1265A>G on transcript NM_005989.4 (MANE Select); 1265 bases downstream of the stop codon, A replaced by G.
Molecular consequence: 3 prime UTR variant.
Genome position (GRCh38, 1-based): chr7:138,117,927, A>G. VCF-style: chr7-138117927-A-G. GRCh37 (hg19) VCF-style: chr7-137802673-A-G.
Other names: c.*1265A>G (NM_001190906.2); c.*1290A>G (NM_001190907.2).
Identifiers: ClinVar variation 358987 (VCV000358987.5), dbSNP rs113105583, ClinGen allele CA10628231.